The following is an entry in ClinVar:

ClinVar aggregate classification (germline): Likely benign. Review status: criteria provided, multiple submitters, no conflicts (2 of 4 stars). 4 submissions from 4 submitters: Likely benign (3). 1 of the submissions does not count toward it. Last evaluated 2024-10-15.

Conditions:
BBS12-related disorder. Also called: BBS12-related condition.
Bardet-Biedl syndrome (BBS). Identifiers: Orphanet 110, MedGen C0752166, MONDO:0015229.
Bardet-Biedl syndrome 12 (BBS12). Identifiers: Orphanet 110, MedGen C1859570, MONDO:0014440, OMIM 615989.

Allele frequency attached by ClinVar (database versions not stated): gnomAD exomes 0.00003; ExAC 0.00005; TOPMed 0.00008; gnomAD 0.00009; ESP Exome Variant Server 0.00023.
gnomAD v4.1: 16 of 1,614,104 alleles (0.00099%); highest among the groups gnomAD compares: African/African-American, 0.021%; no homozygotes.

Submissions (4):

Labcorp Genetics (formerly Invitae), Labcorp
Classification: Likely benign for Bardet-Biedl syndrome. Last evaluated: 2024-10-15. Review status: criteria provided, single submitter. Criteria: Invitae Variant Classification Sherloc (09022015). Collection method: clinical testing. Allele origin: germline.

Blueprint Genetics
Classification: Likely benign. Last evaluated: 2023-07-27. Review status: criteria provided, single submitter. Criteria: ACMG Guidelines, 2015. Collection method: clinical testing. Allele origin: germline.

Fulgent Genetics
Classification: Likely benign for Bardet-Biedl syndrome 12. Last evaluated: 2022-04-21. Review status: criteria provided, single submitter. Criteria: ACMG Guidelines, 2015. Collection method: clinical testing. Allele origin: unknown.

PreventionGenetics, part of Exact Sciences
Classification: Likely benign for BBS12-related condition. Last evaluated: 2021-05-19. Review status: no assertion criteria provided. Collection method: clinical testing. Allele origin: germline. Not counted in ClinVar's aggregate classification.
Comment: This variant is classified as likely benign based on ACMG/AMP sequence variant interpretation guidelines (Richards et al. 2015 PMID: 25741868, with internal and published modifications).

NM_152618.3(BBS12):c.1467A>G (p.Ala489=)

Gene: BBS12 (Bardet-Biedl syndrome 12; plus strand). Cytogenetic location: 4q27.
Variant type: single nucleotide variant.
Coding change: c.1467A>G on transcript NM_152618.3 (MANE Select); coding-DNA position 1467, A replaced by G.
Protein change: p.Ala489=; no amino-acid change (alanine 489 retained).
Molecular consequence: synonymous variant.
Genome position (GRCh38, 1-based): chr4:122,743,359, A>G. VCF-style: chr4-122743359-A-G. GRCh37 (hg19) VCF-style: chr4-123664514-A-G.
Other names: c.1467A>G, p.Ala489= (NM_001178007.2); c.1467A>G (NM_152618.2).
Identifiers: ClinVar variation 1117072 (VCV001117072.11), dbSNP rs148850607, ClinGen allele CA3069456.